The following is an entry in ClinVar:

ClinVar aggregate classification (germline): Likely benign. Review status: criteria provided, multiple submitters, no conflicts (2 of 4 stars). 3 submissions from 3 submitters: Likely benign (3). Last evaluated 2025-06-11.

Conditions:
Early-infantile DEE. Also called: Ohtahara syndrome; Early infantile epileptic encephalopathy; Early infantile epileptic encephalopathy with suppression bursts. Identifiers: Orphanet 1934, MedGen C0393706, MONDO:0800491.
Inborn genetic diseases. Identifiers: MedGen C0950123, MeSH D030342.

Allele frequency attached by ClinVar (database versions not stated): gnomAD exomes 0.00002; ExAC 0.00003; TOPMed 0.00003; gnomAD 0.00007 and 0.00008; ESP Exome Variant Server 0.00008.
gnomAD v4.1: 53 of 1,614,170 alleles (0.0033%); highest among the groups gnomAD compares: Middle Eastern, 0.033%; no homozygotes.

Submissions (3):

Labcorp Genetics (formerly Invitae), Labcorp
Classification: Likely benign for Early-infantile DEE. Last evaluated: 2025-06-11. Review status: criteria provided, single submitter. Criteria: Invitae Variant Classification Sherloc (09022015). Collection method: clinical testing. Allele origin: germline.

CeGaT Center for Human Genetics Tuebingen
Classification: Likely benign. Last evaluated: 2025-02-01. Review status: criteria provided, single submitter. Criteria: CeGaT Center For Human Genetics Tuebingen Variant Classification Criteria Version 2. Collection method: clinical testing. Allele origin: germline. Affected: yes. Observed: 1 variant allele.
Comment: ST3GAL3: BP4, BP7

Ambry Genetics
Classification: Likely benign for Inborn genetic diseases. Last evaluated: 2025-01-16. Review status: criteria provided, single submitter. Criteria: Ambry Variant Classification Scheme 2023. Collection method: clinical testing. Allele origin: germline.

NM_006279.5(ST3GAL3):c.936C>T (p.His312=)

Gene: ST3GAL3 (ST3 beta-galactoside alpha-2,3-sialyltransferase 3; plus strand). Cytogenetic location: 1p34.1.
Variant type: single nucleotide variant.
Coding change: c.936C>T on transcript NM_006279.5 (MANE Select); coding-DNA position 936, C replaced by T.
Protein change: p.His312=; no amino-acid change (histidine 312 retained).
Molecular consequence: synonymous variant. On other transcripts: non-coding transcript variant (6), intron variant (11).
Genome position (GRCh38, 1-based): chr1:43,920,826, C>T. VCF-style: chr1-43920826-C-T. GRCh37 (hg19) VCF-style: chr1-44386498-C-T.
Other names: c.936C>T (NM_006279.2); c.846C>T, p.His282= (NM_001270459.2); c.843C>T, p.His281= (NM_001270460.2); c.981C>T, p.His327= (NM_001350619.2, NM_174964.4); c.936C>T, p.His312= (NM_001350620.2); c.657C>T, p.His219= (NM_001350621.2); c.1143C>T, p.His381= (NM_174963.5); c.1098C>T, p.His366= (NM_174968.5); and 13 more.
Identifiers: ClinVar variation 1132142 (VCV001132142.24), dbSNP rs372260228, ClinGen allele CA814849.